The following is an entry in ClinVar:

ClinVar aggregate classification (germline): Uncertain significance (1 of 4 stars; one submission).

gnomAD v4.1: 1 of 1,551,352 alleles (0.000064%); no homozygotes.

Submission:

Labcorp Genetics (formerly Invitae), Labcorp
Classification: Uncertain significance. Last evaluated: 2022-08-22. Review status: criteria provided, single submitter. Criteria: Invitae Variant Classification Sherloc (09022015). Collection method: clinical testing. Allele origin: germline.
Comment: In summary, the available evidence is currently insufficient to determine the role of this variant in disease. Therefore, it has been classified as a Variant of Uncertain Significance. Algorithms developed to predict the effect of missense changes on protein structure and function output the following: SIFT: "Tolerated"; PolyPhen-2: "Possibly Damaging"; Align-GVGD: "Class C0". The threonine amino acid residue is found in multiple mammalian species, which suggests that this missense change does not adversely affect protein function. This variant has not been reported in the literature in individuals affected with EYS-related conditions. This variant is not present in population databases (gnomAD no frequency). This sequence change replaces isoleucine, which is neutral and non-polar, with threonine, which is neutral and polar, at codon 1501 of the EYS protein (p.Ile1501Thr).

NM_001142800.2(EYS):c.4502T>C (p.Ile1501Thr)

Gene: EYS (EGF-like photoreceptor maintenance factor; minus strand). Cytogenetic location: 6q12.
Variant type: single nucleotide variant.
Coding change: c.4502T>C on transcript NM_001142800.2 (MANE Select); coding-DNA position 4502, T replaced by C.
Protein change: p.Ile1501Thr; replaces isoleucine 1501 with threonine.
Molecular consequence: missense variant.
Genome position (GRCh38, 1-based): chr6:64,591,365, A>G on the plus strand (T>C on the coding strand, the complement: EYS is on the minus strand). VCF-style: chr6-64591365-A-G. GRCh37 (hg19) VCF-style: chr6-65301258-A-G.
Other names: c.4502T>C, p.Ile1501Thr (NM_001292009.2); short protein forms I1501T.
Identifiers: ClinVar variation 2091174 (VCV002091174.4), dbSNP rs2533153666, ClinGen allele CA364783182.